The following is an entry in ClinVar:

ClinVar aggregate classification (germline): Uncertain significance. Review status: criteria provided, multiple submitters, no conflicts (2 of 4 stars). 2 submissions from 2 submitters: Uncertain significance (2). Last evaluated 2025-08-05.

Conditions:
Myasthenic syndrome, congenital, 22 (CMS22). Also called: PREPL DEFICIENCY. Identifiers: MedGen C4479088, MONDO:0044299, OMIM 616224.
Inborn genetic diseases. Identifiers: MedGen C0950123, MeSH D030342.

Allele frequency attached by ClinVar (database versions not stated): TOPMed below 0.00001; gnomAD 0.00001; gnomAD exomes 0.00001 and 0.00002; ExAC 0.00002.

Submissions (2):

Ambry Genetics
Classification: Uncertain significance for Inborn genetic diseases. Last evaluated: 2025-08-05. Review status: criteria provided, single submitter. Criteria: Ambry Variant Classification Scheme 2023. Collection method: clinical testing. Allele origin: germline.

Labcorp Genetics (formerly Invitae), Labcorp
Classification: Uncertain significance for Myasthenic syndrome, congenital, 22. Last evaluated: 2022-08-04. Review status: criteria provided, single submitter. Criteria: Invitae Variant Classification Sherloc (09022015). Collection method: clinical testing. Allele origin: germline.
Comment: This sequence change replaces arginine, which is basic and polar, with glycine, which is neutral and non-polar, at codon 306 of the PREPL protein (p.Arg306Gly). This variant is present in population databases (rs751520171, gnomAD 0.005%). This variant has not been reported in the literature in individuals affected with PREPL-related conditions. ClinVar contains an entry for this variant (Variation ID: 1004816). Algorithms developed to predict the effect of missense changes on protein structure and function are either unavailable or do not agree on the potential impact of this missense change (SIFT: "Tolerated"; PolyPhen-2: "Possibly Damaging"; Align-GVGD: "Class C0"). In summary, the available evidence is currently insufficient to determine the role of this variant in disease. Therefore, it has been classified as a Variant of Uncertain Significance.

NM_001171613.2(PREPL):c.649A>G (p.Arg217Gly)

Gene: PREPL (prolyl endopeptidase like; minus strand). Cytogenetic location: 2p21.
Variant type: single nucleotide variant.
Coding change: c.649A>G on transcript NM_001171613.2 (MANE Select); coding-DNA position 649, A replaced by G.
Protein change: p.Arg217Gly; replaces arginine 217 with glycine.
Molecular consequence: missense variant.
Genome position (GRCh38, 1-based): chr2:44,339,200, T>C on the plus strand (A>G on the coding strand, the complement: PREPL is on the minus strand). VCF-style: chr2-44339200-T-C. GRCh37 (hg19) VCF-style: chr2-44566339-T-C.
Other names: c.916A>G, p.Arg306Gly (NM_001042385.2, NM_001042386.2, NM_001171603.1 and 4 more transcripts); c.649A>G, p.Arg217Gly (NM_001171617.1, NM_001374277.1); short protein forms R217G, R306G.
Identifiers: ClinVar variation 1004816 (VCV001004816.7), dbSNP rs751520171, ClinGen allele CA1641403.
Genomic context (GRCh38, chr2:44,339,200, plus strand): 5'-GGATTACCTTAAATTCTGTAGGTTCTCCAACATTAGTGAGAATGTATAATTCATCATCTC[T>C]GTGTTCAACATAGTAAAGGACCCCATGTATTCGCTTCTGGATAAGTACTGGTGGGTCCCA-3'
Protein context (NP_001165084.1, residues 207-227): IHGVLYYVEH[Arg217Gly]DDELYILTNV